The following is an entry in ClinVar:

NM_006206.6(PDGFRA):c.932-13C>T

Gene: PDGFRA (platelet derived growth factor receptor alpha; plus strand). Cytogenetic location: 4q12.
Variant type: single nucleotide variant.
Coding change: c.932-13C>T on transcript NM_006206.6 (MANE Select); 13 bases into the intron before coding-DNA position 932, C replaced by T.
Molecular consequence: intron variant.
Genome position (GRCh38, 1-based): chr4:54,267,539, C>T. VCF-style: chr4-54267539-C-T. GRCh37 (hg19) VCF-style: chr4-55133706-C-T.
Other names: c.1007-13C>T (NM_001347828.2); c.932-13C>T (NM_001347827.2, NM_001347829.2); c.971-13C>T (NM_001347830.2).
Identifiers: ClinVar variation 3730672 (VCV003730672.3).

ClinVar aggregate classification (germline): Likely benign. Review status: criteria provided, multiple submitters, no conflicts (2 of 4 stars). 2 submissions from 2 submitters: Likely benign (2). Last evaluated 2026-06-12.

Conditions:
Polyps, multiple and recurrent inflammatory fibroid, gastrointestinal. Identifiers: MedGen C5193005, MONDO:0008285, OMIM 175510.
Gastrointestinal stromal tumor. Also called: Gastrointestinal stromal tumor, somatic; Gastrointestinal stroma tumor. Identifiers: Orphanet 44890, MedGen C0238198, MeSH D046152, MONDO:0011719, OMIM 606764, HP:0100723.

gnomAD v4.1: 1 of 1,614,052 alleles (0.000062%); highest among the groups gnomAD compares: Non-Finnish European, 0.000085%; no homozygotes.

Submissions (2):

Myriad Genetics, Inc.
Classification: Likely benign for Polyps, multiple and recurrent inflammatory fibroid, gastrointestinal. Last evaluated: 2026-06-12. Review status: criteria provided, single submitter. Criteria: Myriad Autosomal Dominant, Autosomal Recessive and X-Linked Classification Criteria (2023). Collection method: clinical testing. Allele origin: unknown.
Comment: This variant is considered likely benign. This variant is intronic and is not expected to impact mRNA splicing.

Labcorp Genetics (formerly Invitae), Labcorp
Classification: Likely benign for Gastrointestinal stromal tumor. Last evaluated: 2024-11-12. Review status: criteria provided, single submitter. Criteria: Invitae Variant Classification Sherloc (09022015). Collection method: clinical testing. Allele origin: germline.